The following is an entry in ClinVar:

ClinVar aggregate classification (germline): Pathogenic (1 of 4 stars; one submission).

Conditions:
Androgen resistance syndrome (AIS). Also called: ANDROGEN RECEPTOR DEFICIENCY; DIHYDROTESTOSTERONE RECEPTOR DEFICIENCY; TESTICULAR FEMINIZATION SYNDROME; Androgen insensitivity syndrome; Androgen insensitivity, complete; Androgen insensitivity syndrome due to coactivator deficiency. Identifiers: Orphanet 754, Orphanet 99429, MedGen C0039585, MONDO:0019154, OMIM 300068. Disease mechanism: loss of function.

Submission:

Seattle Children's Hospital Molecular Genetics Laboratory, Seattle Children's Hospital
Classification: Pathogenic for Androgen resistance syndrome. Review status: criteria provided, single submitter. Criteria: ACMG Guidelines, 2015. Collection method: clinical testing. Allele origin: germline. Affected: yes.
Comment: The c.1277C>A change introduces a premature stop codon at amino acid position 426 within exon 1 and is predicted to result in loss-of-function of the androgen receptor. This variant has been observed in two sisters with complete androgen insensitivity syndrome (AIS, MIM: 300068;. Loss-of-function is an established disease mechanism of AIS and other nonsense and frameshift variants in this region have been reported in individuals with AIS (PMID: 20301602, PMID: 36708848, PMID: 20833465).

NM_000044.6(AR):c.1277C>A (p.Ser426Ter)

Gene: AR (androgen receptor; plus strand). Cytogenetic location: Xq12.
Variant type: single nucleotide variant.
Coding change: c.1277C>A on transcript NM_000044.6 (MANE Select); coding-DNA position 1277, C replaced by A.
Protein change: p.Ser426Ter; replaces serine 426 with a stop codon.
Molecular consequence: nonsense. On other transcripts: 5 prime UTR variant (1).
Genome position (GRCh38, 1-based): chrX:67,546,423, C>A. VCF-style: chrX-67546423-C-A. GRCh37 (hg19) VCF-style: chrX-66766265-C-A.
Other names: c.-507C>A (NM_001011645.3); c.1277C>A, p.Ser426Ter (NM_001348061.1, NM_001348063.1, NM_001348064.1); short protein forms S426*.
Identifiers: ClinVar variation 3340452 (VCV003340452.1).